The following is an entry in ClinVar:

ClinVar aggregate classification (germline): Uncertain significance. Review status: criteria provided, multiple submitters, no conflicts (2 of 4 stars). 2 submissions from 2 submitters: Uncertain significance (2). Last evaluated 2025-05-22.

Conditions:
Autosomal recessive ataxia, Beauce type. Also called: SYNE1-Related Autosomal Recessive Cerebellar Ataxia; SYNE1 Deficiency; Spinocerebellar ataxia, autosomal recessive 8; ATAXIA, RECESSIVE, OF BEAUCE. Identifiers: Orphanet 88644, MedGen C1853116, MONDO:0012549, OMIM 610743.
Emery-Dreifuss muscular dystrophy 4, autosomal dominant (EDMD4). Also called: EMERY-DREIFUSS MUSCULAR DYSTROPHY 4 WITH VARIABLE FEATURES. Identifiers: Orphanet 261, MedGen C2751807, MONDO:0013071, OMIM 612998.

Allele frequency attached by ClinVar (database versions not stated): gnomAD exomes below 0.00001; TOPMed 0.00001.
gnomAD v4.1: 5 of 1,614,054 alleles (0.00031%); highest among the groups gnomAD compares: Non-Finnish European, 0.00042%; no homozygotes.

Submissions (2):

Revvity Omics, Revvity
Classification: Uncertain significance. Last evaluated: 2025-05-22. Review status: criteria provided, single submitter. Criteria: ACMG Guidelines, 2015. Collection method: clinical testing. Allele origin: germline.

Labcorp Genetics (formerly Invitae), Labcorp
Classification: Uncertain significance for Emery-Dreifuss muscular dystrophy 4, autosomal dominant; Autosomal recessive ataxia, Beauce type. Last evaluated: 2022-02-21. Review status: criteria provided, single submitter. Criteria: Invitae Variant Classification Sherloc (09022015). Collection method: clinical testing. Allele origin: germline.
Comment: This sequence change replaces alanine, which is neutral and non-polar, with aspartic acid, which is acidic and polar, at codon 8097 of the SYNE1 protein (p.Ala8097Asp). This variant is not present in population databases (gnomAD no frequency). This variant has not been reported in the literature in individuals affected with SYNE1-related conditions. Algorithms developed to predict the effect of missense changes on protein structure and function are either unavailable or do not agree on the potential impact of this missense change (SIFT: "Deleterious"; PolyPhen-2: "Benign"; Align-GVGD: "Class C0"). In summary, the available evidence is currently insufficient to determine the role of this variant in disease. Therefore, it has been classified as a Variant of Uncertain Significance.

NM_182961.4(SYNE1):c.24503C>A (p.Ala8168Asp)

Gene: SYNE1 (spectrin repeat containing nuclear envelope protein 1; minus strand). Cytogenetic location: 6q25.2.
Variant type: single nucleotide variant.
Coding change: c.24503C>A on transcript NM_182961.4 (MANE Select); coding-DNA position 24503, C replaced by A.
Protein change: p.Ala8168Asp; replaces alanine 8168 with aspartic acid.
Molecular consequence: missense variant.
Genome position (GRCh38, 1-based): chr6:152,149,616, G>T on the plus strand (C>A on the coding strand, the complement: SYNE1 is on the minus strand). VCF-style: chr6-152149616-G-T. GRCh37 (hg19) VCF-style: chr6-152470751-G-T.
Other names: c.1109C>A, p.Ala370Asp (NM_001347701.2); c.968C>A, p.Ala323Asp (NM_001347702.2); c.24290C>A, p.Ala8097Asp (NM_033071.5); c.24290C>A (NM_033071.3); short protein forms A8097D, A370D, A8168D, A323D.
Identifiers: ClinVar variation 1364431 (VCV001364431.9), dbSNP rs1297857077, ClinGen allele CA366086368.
Genomic context (GRCh38, chr6:152,149,616, plus strand): 5'-TCCTCCTCGATGATCGCTGCATCCAAGGGCTCACTCTTTTCTATCAGCTGTTCTCCTTGG[G>T]CAATTATCTGCTCAATCTTATTGTGGTTCAGTGAAATTTCCTGCTGGAAGGCCTAGGGAG-3'
Protein context (NP_892006.3, residues 8158-8178): LNHNKIEQII[Ala8168Asp]QGEQLIEKSE